The following is an entry in ClinVar:

ClinVar aggregate classification (germline): Pathogenic (1 of 4 stars; one submission).

gnomAD v4.1: 1 of 1,614,026 alleles (0.000062%); highest among the groups gnomAD compares: South Asian, 0.0011%; no homozygotes.

Submission:

Labcorp Genetics (formerly Invitae), Labcorp
Classification: Pathogenic. Last evaluated: 2024-02-26. Review status: criteria provided, single submitter. Criteria: Invitae Variant Classification Sherloc (09022015). Collection method: clinical testing. Allele origin: germline.
Comment: This sequence change creates a premature translational stop signal (p.Trp180*) in the RXYLT1 gene. It is expected to result in an absent or disrupted protein product. Loss-of-function variants in RXYLT1 are known to be pathogenic (PMID: 23217329, 23519211, 31742715). This variant is not present in population databases (gnomAD no frequency). This variant has not been reported in the literature in individuals affected with RXYLT1-related conditions. For these reasons, this variant has been classified as Pathogenic.

Literature cited by the submitters: PubMed 23217329; PubMed 23519211; PubMed 31742715.

NM_014254.3(RXYLT1):c.539G>A (p.Trp180Ter)

Gene: RXYLT1 (ribitol xylosyltransferase 1; plus strand). Cytogenetic location: 12q14.2.
Variant type: single nucleotide variant.
Coding change: c.539G>A on transcript NM_014254.3 (MANE Select); coding-DNA position 539, G replaced by A.
Protein change: p.Trp180Ter; replaces tryptophan 180 with a stop codon.
Molecular consequence: nonsense. On other transcripts: 5 prime UTR variant (1).
Genome position (GRCh38, 1-based): chr12:63,802,201, G>A. VCF-style: chr12-63802201-G-A. GRCh37 (hg19) VCF-style: chr12-64195981-G-A.
Other names: c.-242G>A (NM_001278237.2); short protein forms W180*.
Identifiers: ClinVar variation 2832051 (VCV002832051.3), dbSNP rs2500519629, ClinGen allele CA385657711.